The following is an entry in ClinVar:

NM_007035.4(KERA):c.549T>C (p.Phe183=)

Gene: KERA (keratocan; minus strand). Cytogenetic location: 12q21.33.
Variant type: single nucleotide variant.
Coding change: c.549T>C on transcript NM_007035.4 (MANE Select); coding-DNA position 549, T replaced by C.
Protein change: p.Phe183=; no amino-acid change (phenylalanine 183 retained).
Molecular consequence: synonymous variant.
Genome position (GRCh38, 1-based): chr12:91,055,733, A>G on the plus strand (T>C on the coding strand, the complement: KERA is on the minus strand). VCF-style: chr12-91055733-A-G. GRCh37 (hg19) VCF-style: chr12-91449510-A-G.
Identifiers: ClinVar variation 2038191 (VCV002038191.5), dbSNP rs145384644, ClinGen allele CA6716550.

ClinVar aggregate classification (germline): Benign/Likely benign. Review status: criteria provided, multiple submitters, no conflicts (2 of 4 stars). 2 submissions from 2 submitters: Benign (1); Likely benign (1). Last evaluated 2025-06-14.

Conditions:
KERA-related disorder. Also called: KERA-related condition.

Allele frequency attached by ClinVar (database versions not stated): 1000 Genomes Project 0.00020; 1000 Genomes Project 30x 0.00047; TOPMed 0.00079; gnomAD 0.00086; ESP Exome Variant Server 0.00146; ExAC 0.00167.
gnomAD v4.1: 1,827 of 1,611,426 alleles (0.11%); highest among the groups gnomAD compares: Non-Finnish European, 0.14%; 3 homozygotes.

Submissions (2):

Labcorp Genetics (formerly Invitae), Labcorp
Classification: Benign. Last evaluated: 2025-06-14. Review status: criteria provided, single submitter. Criteria: Invitae Variant Classification Sherloc (09022015). Collection method: clinical testing. Allele origin: germline.

PreventionGenetics, part of Exact Sciences
Classification: Likely benign for KERA-related condition. Last evaluated: 2025-04-11. Review status: criteria provided, single submitter. Criteria: ACMG Guidelines, 2015. Collection method: clinical testing. Allele origin: germline.
Comment: This variant is classified as likely benign based on ACMG/AMP sequence variant interpretation guidelines (Richards et al. 2015 PMID: 25741868, with internal and published modifications).